The following is an entry in ClinVar:

NM_006766.5(KAT6A):c.1291G>C (p.Val431Leu)

Gene: KAT6A (lysine acetyltransferase 6A; minus strand). Cytogenetic location: 8p11.21.
Variant type: single nucleotide variant.
Coding change: c.1291G>C on transcript NM_006766.5 (MANE Select); coding-DNA position 1291, G replaced by C.
Protein change: p.Val431Leu; replaces valine 431 with leucine.
Molecular consequence: missense variant.
Genome position (GRCh38, 1-based): chr8:41,977,080, C>G on the plus strand (G>C on the coding strand, the complement: KAT6A is on the minus strand). VCF-style: chr8-41977080-C-G. GRCh37 (hg19) VCF-style: chr8-41834598-C-G.
Other names: c.1291G>C, p.Val431Leu (NM_001305878.2); short protein forms V431L.
Identifiers: ClinVar variation 3615067 (VCV003615067.2).

ClinVar aggregate classification (germline): Uncertain significance (1 of 4 stars; one submission).

Submission:

Labcorp Genetics (formerly Invitae), Labcorp
Classification: Uncertain significance. Last evaluated: 2025-07-30. Review status: criteria provided, single submitter. Criteria: Invitae Variant Classification Sherloc (09022015). Collection method: clinical testing. Allele origin: germline.
Comment: This sequence change replaces valine, which is neutral and non-polar, with leucine, which is neutral and non-polar, at codon 431 of the KAT6A protein (p.Val431Leu). This variant is not present in population databases (gnomAD no frequency). This variant has not been reported in the literature in individuals affected with KAT6A-related conditions. ClinVar contains an entry for this variant (Variation ID: 3615067). Invitae Evidence Modeling of protein sequence and biophysical properties (such as structural, functional, and spatial information, amino acid conservation, physicochemical variation, residue mobility, and thermodynamic stability) indicates that this missense variant is not expected to disrupt KAT6A protein function with a negative predictive value of 95%. In summary, the available evidence is currently insufficient to determine the role of this variant in disease. Therefore, it has been classified as a Variant of Uncertain Significance.